The following is an entry in ClinVar:

NM_006502.3(POLH):c.1433C>T (p.Thr478Met)

Gene: POLH (DNA polymerase eta; plus strand). Cytogenetic location: 6p21.1.
Variant type: single nucleotide variant.
Coding change: c.1433C>T on transcript NM_006502.3 (MANE Select); coding-DNA position 1433, C replaced by T.
Protein change: p.Thr478Met; replaces threonine 478 with methionine.
Molecular consequence: missense variant. On other transcripts: 3 prime UTR variant (1).
Genome position (GRCh38, 1-based): chr6:43,613,848, C>T. VCF-style: chr6-43613848-C-T. GRCh37 (hg19) VCF-style: chr6-43581585-C-T.
Other names: c.1061C>T, p.Thr354Met (NM_001291969.2); c.*117C>T (NM_001291970.2); short protein forms T354M, T478M.
Identifiers: ClinVar variation 717328 (VCV000717328.13), dbSNP rs9296419, ClinGen allele CA3827251.

ClinVar aggregate classification (germline): Benign/Likely benign. Review status: criteria provided, multiple submitters, no conflicts (2 of 4 stars). 4 submissions from 4 submitters: Benign (2); Likely benign (2). Last evaluated 2026-02-04.

Conditions:
Xeroderma pigmentosum variant type. Also called: PHOTOSENSITIVITY WITH DEFECTIVE DNA SYNTHESIS; XERODERMA PIGMENTOSUM WITH NORMAL DNA REPAIR RATES; POLH-Related Xeroderma Pigmentosum. Identifiers: Orphanet 90342, MedGen C1848410, MONDO:0010214, OMIM 278750.

Allele frequency attached by ClinVar (database versions not stated): ESP Exome Variant Server 0.00008; gnomAD exomes 0.00044 and 0.00152; gnomAD 0.00048 and 0.00074; TOPMed 0.00110; ExAC 0.00149; 1000 Genomes Project 30x 0.00484; 1000 Genomes Project 0.00579.

Submissions (4):

Labcorp Genetics (formerly Invitae), Labcorp
Classification: Benign. Last evaluated: 2026-02-04. Review status: criteria provided, single submitter. Criteria: Invitae Variant Classification Sherloc (09022015). Collection method: clinical testing. Allele origin: germline.

Women's Health and Genetics/Laboratory Corporation of America, LabCorp
Classification: Likely benign. Last evaluated: 2022-02-18. Review status: criteria provided, single submitter. Criteria: LabCorp Variant Classification Summary - May 2015. Collection method: clinical testing. Allele origin: germline.

Fulgent Genetics
Classification: Likely benign for Xeroderma pigmentosum variant type. Last evaluated: 2021-10-27. Review status: criteria provided, single submitter. Criteria: ACMG Guidelines, 2015. Collection method: clinical testing. Allele origin: unknown.

Illumina Laboratory Services, Illumina
Classification: Benign for Xeroderma pigmentosum variant type. Last evaluated: 2017-04-27. Review status: criteria provided, single submitter. Criteria: ICSL Variant Classification Criteria 13 December 2019. Collection method: clinical testing. Allele origin: germline.
Comment: This variant was observed as part of a predisposition screen in an ostensibly healthy population. A literature search was performed for the gene, cDNA change, and amino acid change (where applicable). No publications were found based on this search. Allele frequency data from public databases was too high to be consistent with this variant causing disease. Therefore, this variant is classified as benign.